The following is an entry in ClinVar:

ClinVar aggregate classification (germline): Likely benign (1 of 4 stars; one submission).

gnomAD v4.1: 458 of 1,614,084 alleles (0.028%); highest among the groups gnomAD compares: Non-Finnish European, 0.037%; no homozygotes.

Submission:

Mayo Clinic Laboratories, Mayo Clinic
Classification: Likely benign. Last evaluated: 2025-10-23. Review status: criteria provided, single submitter. Criteria: ACMG Guidelines, 2015. Collection method: clinical testing. Allele origin: germline. Observed: 1 variant allele.
Comment: BP4, BP7

NM_001963.6(EGF):c.2371+9A>G

Genes: EGF (epidermal growth factor; plus strand), LOC126807134 (BRD4-independent group 4 enhancer GRCh37_chr4:110900995-110902194; plus strand). Cytogenetic location: 4q25.
Variant type: single nucleotide variant.
Coding change: c.2371+9A>G on transcript NM_001963.6 (MANE Select); 9 bases into the intron after coding-DNA position 2371, A replaced by G.
Molecular consequence: intron variant.
Genome position (GRCh38, 1-based): chr4:109,980,984, A>G. VCF-style: chr4-109980984-A-G. GRCh37 (hg19) VCF-style: chr4-110902140-A-G.
Other names: p.?; c.2371+9A>G (NM_001178130.3); c.2245+9A>G (NM_001178131.3, NM_001357021.2).
Identifiers: ClinVar variation 4684802 (VCV004684802.1).
Genomic context (GRCh38, chr4:109,980,984, plus strand): 5'-GCCTCAGATGGGAAAACGTGTCTGGCTCTGGATGGTCATCAGCTGTTGGCAGGTAATATA[A>G]TAAATTATGTGGCAAATTACCTAACGTTGGCTCAGAAATACAGCTGTACATCAATCTTTA-3'